The following is an entry in ClinVar:

NM_000361.3(THBD):c.1410G>A (p.Ser470=)

Gene: THBD (thrombomodulin; minus strand). Cytogenetic location: 20p11.21.
Variant type: single nucleotide variant.
Coding change: c.1410G>A on transcript NM_000361.3 (MANE Select); coding-DNA position 1410, G replaced by A.
Protein change: p.Ser470=; no amino-acid change (serine 470 retained).
Molecular consequence: synonymous variant.
Genome position (GRCh38, 1-based): chr20:23,048,095, C>T on the plus strand (G>A on the coding strand, the complement: THBD is on the minus strand). VCF-style: chr20-23048095-C-T. GRCh37 (hg19) VCF-style: chr20-23028732-C-T.
Identifiers: ClinVar variation 3698321 (VCV003698321.2).

ClinVar aggregate classification (germline): Uncertain significance (1 of 4 stars; one submission).

gnomAD v4.1: 8 of 1,612,642 alleles (0.0005%); highest among the groups gnomAD compares: South Asian, 0.0055%; 1 homozygote.

Submission:

Labcorp Genetics (formerly Invitae), Labcorp
Classification: Uncertain significance. Last evaluated: 2024-08-13. Review status: criteria provided, single submitter. Criteria: Invitae Variant Classification Sherloc (09022015). Collection method: clinical testing. Allele origin: germline.
Comment: This sequence change affects codon 470 of the THBD mRNA. It is a 'silent' change, meaning that it does not change the encoded amino acid sequence of the THBD protein. This variant is present in population databases (rs530378253, gnomAD 0.01%). This variant has not been reported in the literature in individuals affected with THBD-related conditions. Experimental studies and prediction algorithms are not available or were not evaluated, and the effect of this variant on mRNA splicing is currently unknown. In summary, the available evidence is currently insufficient to determine the role of this variant in disease. Therefore, it has been classified as a Variant of Uncertain Significance.